The following is an entry in ClinVar:

ClinVar aggregate classification (germline): Uncertain significance. Review status: criteria provided, multiple submitters, no conflicts (2 of 4 stars). 2 submissions from 2 submitters: Uncertain significance (2). Last evaluated 2023-12-08.

Conditions:
Inborn genetic diseases. Identifiers: MedGen C0950123, MeSH D030342.

Allele frequency attached by ClinVar (database versions not stated): gnomAD exomes 0.00001; ExAC 0.00002; TOPMed 0.00003; gnomAD 0.00005.
gnomAD v4.1: 22 of 1,614,004 alleles (0.0014%); highest among the groups gnomAD compares: African/African-American, 0.004%; no homozygotes.

Submissions (2):

Ambry Genetics
Classification: Uncertain significance for Inborn genetic diseases. Last evaluated: 2023-12-08. Review status: criteria provided, single submitter. Criteria: Ambry Variant Classification Scheme 2023. Collection method: clinical testing. Allele origin: germline.

Labcorp Genetics (formerly Invitae), Labcorp
Classification: Uncertain significance. Last evaluated: 2022-04-12. Review status: criteria provided, single submitter. Criteria: Invitae Variant Classification Sherloc (09022015). Collection method: clinical testing. Allele origin: germline.
Comment: This sequence change replaces glycine, which is neutral and non-polar, with arginine, which is basic and polar, at codon 371 of the MMP2 protein (p.Gly371Arg). This variant is present in population databases (rs771526366, gnomAD 0.004%). This variant has not been reported in the literature in individuals affected with MMP2-related conditions. Algorithms developed to predict the effect of missense changes on protein structure and function are either unavailable or do not agree on the potential impact of this missense change (SIFT: "Tolerated"; PolyPhen-2: "Probably Damaging"; Align-GVGD: "Class C0"). In summary, the available evidence is currently insufficient to determine the role of this variant in disease. Therefore, it has been classified as a Variant of Uncertain Significance.

NM_004530.6(MMP2):c.1111G>A (p.Gly371Arg)

Gene: MMP2 (matrix metallopeptidase 2; plus strand). Cytogenetic location: 16q12.2.
Variant type: single nucleotide variant.
Coding change: c.1111G>A on transcript NM_004530.6 (MANE Select); coding-DNA position 1111, G replaced by A.
Protein change: p.Gly371Arg; replaces glycine 371 with arginine.
Molecular consequence: missense variant.
Genome position (GRCh38, 1-based): chr16:55,489,755, G>A. VCF-style: chr16-55489755-G-A. GRCh37 (hg19) VCF-style: chr16-55523667-G-A.
Other names: c.961G>A, p.Gly321Arg (NM_001127891.3); c.883G>A, p.Gly295Arg (NM_001302508.1, NM_001302509.2, NM_001302510.2); c.1111G>A (NM_004530.4); short protein forms G295R, G321R, G371R.
Identifiers: ClinVar variation 1932381 (VCV001932381.3), dbSNP rs771526366, ClinGen allele CA8060313.